The following is an entry in ClinVar:

NM_004655.4(AXIN2):c.968C>T (p.Pro323Leu)

Gene: AXIN2 (axin 2; minus strand). Cytogenetic location: 17q24.1.
Variant type: single nucleotide variant.
Coding change: c.968C>T on transcript NM_004655.4 (MANE Select); coding-DNA position 968, C replaced by T.
Protein change: p.Pro323Leu; replaces proline 323 with leucine.
Molecular consequence: missense variant.
Genome position (GRCh38, 1-based): chr17:65,541,546, G>A on the plus strand (C>T on the coding strand, the complement: AXIN2 is on the minus strand). VCF-style: chr17-65541546-G-A. GRCh37 (hg19) VCF-style: chr17-63537664-G-A.
Other names: c.968C>T, p.Pro323Leu (NM_001363813.1); short protein forms P323L.
Identifiers: ClinVar variation 4702645 (VCV004702645.2).

ClinVar aggregate classification (germline): Uncertain significance. Review status: criteria provided, multiple submitters, no conflicts (2 of 4 stars). 2 submissions from 2 submitters: Uncertain significance (2). Last evaluated 2026-07-07.

Conditions:
Oligodontia-cancer predisposition syndrome. Also called: TOOTH AGENESIS-COLORECTAL CANCER SYNDROME. Identifiers: Orphanet 300576, MedGen C1837750, MONDO:0012075, OMIM 608615. Disease mechanism: loss of function.
Hereditary cancer-predisposing syndrome. Also called: Hereditary Cancer Syndrome; Hereditary neoplastic syndrome; Neoplastic Syndromes, Hereditary; Tumor predisposition. Identifiers: Orphanet 140162, MedGen C0027672, MeSH D009386, MONDO:0015356.

Submissions (2):

Ambry Genetics
Classification: Uncertain significance for Hereditary cancer-predisposing syndrome. Last evaluated: 2026-07-07. Review status: criteria provided, single submitter. Criteria: Ambry Variant Classification Scheme 2023. Collection method: clinical testing. Allele origin: germline.
Comment: The p.P323L variant (also known as c.968C>T), located in coding exon 3 of the AXIN2 gene, results from a C to T substitution at nucleotide position 968. The proline at codon 323 is replaced by leucine, an amino acid with similar properties. This amino acid position is conserved. In addition, this alteration is predicted to be deleterious by in silico analysis. Based on the available evidence, the clinical significance of this variant remains unclear.

Labcorp Genetics (formerly Invitae), Labcorp
Classification: Uncertain significance for Oligodontia-cancer predisposition syndrome. Last evaluated: 2025-09-01. Review status: criteria provided, single submitter. Criteria: Invitae Variant Classification Sherloc (09022015). Collection method: clinical testing. Allele origin: germline.
Comment: This sequence change replaces proline, which is neutral and non-polar, with leucine, which is neutral and non-polar, at codon 323 of the AXIN2 protein (p.Pro323Leu). This variant is not present in population databases (gnomAD no frequency). This variant has not been reported in the literature in individuals affected with AXIN2-related conditions. Invitae Evidence Modeling of protein sequence and biophysical properties (such as structural, functional, and spatial information, amino acid conservation, physicochemical variation, residue mobility, and thermodynamic stability) indicates that this missense variant is expected to disrupt AXIN2 protein function with a positive predictive value of 80%. In summary, the available evidence is currently insufficient to determine the role of this variant in disease. Therefore, it has been classified as a Variant of Uncertain Significance.